The following is an entry in ClinVar:

NM_006031.6(PCNT):c.6376A>G (p.Ile2126Val)

Gene: PCNT (pericentrin; plus strand). Cytogenetic location: 21q22.3.
Variant type: single nucleotide variant.
Coding change: c.6376A>G on transcript NM_006031.6 (MANE Select); coding-DNA position 6376, A replaced by G.
Protein change: p.Ile2126Val; replaces isoleucine 2126 with valine.
Molecular consequence: missense variant.
Genome position (GRCh38, 1-based): chr21:46,416,294, A>G. VCF-style: chr21-46416294-A-G. GRCh37 (hg19) VCF-style: chr21-47836208-A-G.
Other names: c.6022A>G, p.Ile2008Val (NM_001315529.2); short protein forms I2008V, I2126V.
Identifiers: ClinVar variation 3345223 (VCV003345223.1).

ClinVar aggregate classification (germline): Uncertain significance (0 of 4 stars; one submission).

Conditions:
PCNT-related disorder. Also called: PCNT-related condition.

gnomAD v4.1: 4 of 1,613,968 alleles (0.00025%); highest among the groups gnomAD compares: South Asian, 0.0033%; no homozygotes.

Submission:

PreventionGenetics, part of Exact Sciences
Classification: Uncertain significance for PCNT-related condition. Last evaluated: 2024-04-22. Review status: no assertion criteria provided. Collection method: clinical testing. Allele origin: germline.
Comment: The PCNT c.6376A>G variant is predicted to result in the amino acid substitution p.Ile2126Val. To our knowledge, this variant has not been reported in the literature. This variant is reported in 0.0065% of alleles in individuals of South Asian descent in gnomAD. At this time, the clinical significance of this variant is uncertain due to the absence of conclusive functional and genetic evidence.